The following is an entry in ClinVar:

ClinVar aggregate classification (germline): Uncertain significance (1 of 4 stars; one submission).

Conditions:
Idiopathic generalized epilepsy. Also called: Generalised epilepsy; EIG. Identifiers: MedGen C0270850, MONDO:0005579, OMIM 600669.

Submission:

Labcorp Genetics (formerly Invitae), Labcorp
Classification: Uncertain significance for Idiopathic generalized epilepsy. Last evaluated: 2022-08-23. Review status: criteria provided, single submitter. Criteria: Invitae Variant Classification Sherloc (09022015). Collection method: clinical testing. Allele origin: germline.
Comment: ClinVar contains an entry for this variant (Variation ID: 836133). This variant has not been reported in the literature in individuals affected with GABRD-related conditions. This variant is not present in population databases (gnomAD no frequency). This sequence change replaces valine, which is neutral and non-polar, with isoleucine, which is neutral and non-polar, at codon 444 of the GABRD protein (p.Val444Ile). Algorithms developed to predict the effect of missense changes on protein structure and function output the following: SIFT: "Tolerated"; PolyPhen-2: "Benign"; Align-GVGD: "Class C0". The isoleucine amino acid residue is found in multiple mammalian species, which suggests that this missense change does not adversely affect protein function. In summary, the available evidence is currently insufficient to determine the role of this variant in disease. Therefore, it has been classified as a Variant of Uncertain Significance.

NM_000815.5(GABRD):c.1330G>A (p.Val444Ile)

Gene: GABRD (gamma-aminobutyric acid type A receptor subunit delta; plus strand). Cytogenetic location: 1p36.33.
Variant type: single nucleotide variant.
Coding change: c.1330G>A on transcript NM_000815.5 (MANE Select); coding-DNA position 1330, G replaced by A.
Protein change: p.Val444Ile; replaces valine 444 with isoleucine.
Molecular consequence: missense variant.
Genome position (GRCh38, 1-based): chr1:2,030,253, G>A. VCF-style: chr1-2030253-G-A. GRCh37 (hg19) VCF-style: chr1-1961692-G-A.
Other names: short protein forms V444I.
Identifiers: ClinVar variation 836133 (VCV000836133.9), dbSNP rs1659053261, ClinGen allele CA337961146.
Genomic context (GRCh38, chr1:2,030,253, plus strand): 5'-GCAGACACCATTGACATTTACGCCCGCGCTGTGTTCCCTGCGGCGTTTGCGGCCGTCAAT[G>A]TCATCTACTGGGCGGCATACGCCATGTGAGCACAGGACTCAGGCCACCCTCGCTTGTCCT-3'
Protein context (NP_000806.2, residues 434-452): VFPAAFAAVN[Val444Ile]IYWAAYAM